The following is an entry in ClinVar:

NM_024675.4(PALB2):c.41A>G (p.Lys14Arg)

Gene: PALB2 (partner and localizer of BRCA2; minus strand). Cytogenetic location: 16p12.2.
Variant type: single nucleotide variant.
Coding change: c.41A>G on transcript NM_024675.4 (MANE Select); coding-DNA position 41, A replaced by G.
Protein change: p.Lys14Arg; replaces lysine 14 with arginine.
Molecular consequence: missense variant.
Genome position (GRCh38, 1-based): chr16:23,641,117, T>C on the plus strand (A>G on the coding strand, the complement: PALB2 is on the minus strand). VCF-style: chr16-23641117-T-C. GRCh37 (hg19) VCF-style: chr16-23652438-T-C.
Other names: short protein forms K14R.
Identifiers: ClinVar variation 461002 (VCV000461002.11), dbSNP rs1555462506, ClinGen allele CA395141036.
Genomic context (GRCh38, chr16:23,641,117, plus strand): 5'-CCTGGGAAAGCGGGGTCAGAGTCCTGCGTCCGCCCTTCCCGCACCCCCGGCACCTTTTCC[T>C]TCTCCTCACAGCTGAGGGGCTTCCCGGGAGGCTCGTCCATCGGGCAGGCGACAGAACGAA-3'
Protein context (NP_078951.2, residues 4-24): PPGKPLSCEE[Lys14Arg]EKLKEKLAFL

ClinVar aggregate classification (germline): Uncertain significance (1 of 4 stars; one submission).

Conditions:
Familial cancer of breast. Also called: BREAST CANCER, FAMILIAL; Hereditary breast cancer; hereditary breast carcinoma. Identifiers: Orphanet 227535, MedGen C0346153, MONDO:0016419, OMIM 114480. Disease mechanism: loss of function.

Allele frequency attached by ClinVar (database versions not stated): gnomAD exomes below 0.00001.
gnomAD v4.1: 1 of 1,613,548 alleles (0.000062%); highest among the groups gnomAD compares: Non-Finnish European, 0.000085%; no homozygotes.

Submission:

Labcorp Genetics (formerly Invitae), Labcorp
Classification: Uncertain significance for Familial cancer of breast. Last evaluated: 2022-06-09. Review status: criteria provided, single submitter. Criteria: Invitae Variant Classification Sherloc (09022015). Collection method: clinical testing. Allele origin: germline.
Comment: In summary, the available evidence is currently insufficient to determine the role of this variant in disease. Therefore, it has been classified as a Variant of Uncertain Significance. Algorithms developed to predict the effect of missense changes on protein structure and function are either unavailable or do not agree on the potential impact of this missense change (SIFT: "Tolerated"; PolyPhen-2: "Probably Damaging"; Align-GVGD: "Class C0"). ClinVar contains an entry for this variant (Variation ID: 461002). This variant has not been reported in the literature in individuals affected with PALB2-related conditions. This variant is not present in population databases (gnomAD no frequency). This sequence change replaces lysine, which is basic and polar, with arginine, which is basic and polar, at codon 14 of the PALB2 protein (p.Lys14Arg).